The following is an entry in ClinVar:

ClinVar aggregate classification (germline): Uncertain significance (1 of 4 stars; one submission).

Conditions:
Cardiovascular phenotype. Identifiers: MedGen CN230736.
Hereditary cancer-predisposing syndrome. Also called: Neoplastic Syndromes, Hereditary; Tumor predisposition; Hereditary Cancer Syndrome; Hereditary neoplastic syndrome. Identifiers: Orphanet 140162, MedGen C0027672, MeSH D009386, MONDO:0015356.

Submission:

Ambry Genetics
Classification: Uncertain significance for Cardiovascular phenotype; Hereditary cancer-predisposing syndrome. Last evaluated: 2026-08-07. Review status: criteria provided, single submitter. Criteria: Ambry Variant Classification Scheme 2023. Collection method: clinical testing. Allele origin: germline.
Comment: The p.G1417R variant (also known as c.4249G>C), located in coding exon 31 of the NF1 gene, results from a G to C substitution at nucleotide position 4249. The glycine at codon 1417 is replaced by arginine, an amino acid with dissimilar properties. This amino acid position is conserved. In addition, this alteration is predicted to be deleterious by in silico analysis. Based on the available evidence, the clinical significance of this variant remains unclear.

NM_001042492.3(NF1):c.4312G>C (p.Gly1438Arg)

Gene: NF1 (neurofibromin 1; plus strand). Cytogenetic location: 17q11.2.
Variant type: single nucleotide variant.
Coding change: c.4312G>C on transcript NM_001042492.3 (MANE Select); coding-DNA position 4312, G replaced by C.
Protein change: p.Gly1438Arg; replaces glycine 1438 with arginine.
Molecular consequence: missense variant.
Genome position (GRCh38, 1-based): chr17:31,258,482, G>C. VCF-style: chr17-31258482-G-C. GRCh37 (hg19) VCF-style: chr17-29585500-G-C.
Other names: c.4249G>C, p.Gly1417Arg (NM_000267.4); short protein forms G1417R, G1438R.
Identifiers: ClinVar variation 3237773 (VCV003237773.2), dbSNP rs1555618559.